The following is an entry in ClinVar:

ClinVar aggregate classification (germline): Pathogenic (1 of 4 stars; one submission).

Conditions:
Congenital myotonia, autosomal recessive form. Also called: BECKER DISEASE; Becker Generalized Myotonia; myotonia congenita, autosomal recessive. Identifiers: Orphanet 614, MedGen C0751360, MONDO:0009715, OMIM 255700.
Congenital myotonia, autosomal dominant form (THD). Also called: THOMSEN DISEASE; Myotonia congenita autosomal dominant. Identifiers: Orphanet 614, MedGen C2936781, MONDO:0008055, OMIM 160800.

Allele frequency attached by ClinVar (database versions not stated): gnomAD exomes below 0.00001.
gnomAD v4.1: 1 of 1,614,216 alleles (0.000062%); highest among the groups gnomAD compares: Non-Finnish European, 0.000085%; no homozygotes.

Submission:

Labcorp Genetics (formerly Invitae), Labcorp
Classification: Pathogenic for Congenital myotonia, autosomal recessive form; Congenital myotonia, autosomal dominant form. Last evaluated: 2023-11-03. Review status: criteria provided, single submitter. Criteria: Invitae Variant Classification Sherloc (09022015). Collection method: clinical testing. Allele origin: germline.
Comment: This sequence change replaces glycine, which is neutral and non-polar, with arginine, which is basic and polar, at codon 200 of the CLCN1 protein (p.Gly200Arg). This variant is not present in population databases (gnomAD no frequency). This missense change has been observed in individual(s) with autosomal dominant myotonia congenita (PMID: 8571958, 9703437). It has also been observed to segregate with disease in related individuals. ClinVar contains an entry for this variant (Variation ID: 2136616). Advanced modeling of protein sequence and biophysical properties (such as structural, functional, and spatial information, amino acid conservation, physicochemical variation, residue mobility, and thermodynamic stability) performed at Invitae indicates that this missense variant is expected to disrupt CLCN1 protein function with a positive predictive value of 95%. Experimental studies have shown that this missense change affects CLCN1 function (PMID: 9703437, 22689570). For these reasons, this variant has been classified as Pathogenic.

Literature cited by the submitters: PubMed 8571958; PubMed 9703437; PubMed 22689570.

NM_000083.3(CLCN1):c.598G>A (p.Gly200Arg)

Gene: CLCN1 (chloride voltage-gated channel 1; plus strand). Cytogenetic location: 7q34.
Variant type: single nucleotide variant.
Coding change: c.598G>A on transcript NM_000083.3 (MANE Select); coding-DNA position 598, G replaced by A.
Protein change: p.Gly200Arg; replaces glycine 200 with arginine.
Molecular consequence: missense variant. On other transcripts: non-coding transcript variant (1).
Genome position (GRCh38, 1-based): chr7:143,321,750, G>A. VCF-style: chr7-143321750-G-A. GRCh37 (hg19) VCF-style: chr7-143018843-G-A.
Other names: short protein forms G200R.
Identifiers: ClinVar variation 2136616 (VCV002136616.4), dbSNP rs1563074523, ClinGen allele CA369684451.